The following is an entry in ClinVar:

ClinVar aggregate classification (germline): Uncertain significance. Review status: criteria provided, multiple submitters, no conflicts (2 of 4 stars). 3 submissions from 3 submitters: Uncertain significance (2). 1 of the submissions does not count toward it. Last evaluated 2026-02-16.

Conditions:
ITM2B-related disorder. Also called: ITM2B-related condition.

Submissions (3):

Women's Health and Genetics/Laboratory Corporation of America, LabCorp
Classification: Uncertain significance. Last evaluated: 2026-02-16. Review status: criteria provided, single submitter. Criteria: LabCorp Variant Classification Summary - May 2015. Collection method: clinical testing. Allele origin: germline.
Comment: Variant summary: ITM2B c.377_379delAAG (p.Glu126del) results in an in-frame deletion that is predicted to remove 1 amino acid from the encoded protein. The variant allele was found at a frequency of 3.6e-05 in 1606968 control chromosomes in the gnomAD database (v4.1 dataset). This frequency is not significantly higher than estimated for disease-causing variants in ITM2B, allowing no conclusion about variant significance. To our knowledge, no occurrence of c.377_379delAAG in individuals affected with ITM2B-related conditions and no experimental evidence demonstrating its impact on protein function have been reported. ClinVar contains an entry for this variant (Variation ID: 1501606). Based on the evidence outlined above, the variant was classified as uncertain significance.

Labcorp Genetics (formerly Invitae), Labcorp
Classification: Uncertain significance. Last evaluated: 2025-12-24. Review status: criteria provided, single submitter. Criteria: Invitae Variant Classification Sherloc (09022015). Collection method: clinical testing. Allele origin: germline.
Comment: This variant, c.377_379del, results in the deletion of 1 amino acid(s) of the ITM2B protein (p.Glu126del), but otherwise preserves the integrity of the reading frame. This variant is present in population databases (rs779568121, gnomAD 0.01%). This variant has not been reported in the literature in individuals affected with ITM2B-related conditions. Experimental studies and prediction algorithms are not available or were not evaluated, and the functional significance of this variant is currently unknown. In summary, the available evidence is currently insufficient to determine the role of this variant in disease. Therefore, it has been classified as a Variant of Uncertain Significance.

PreventionGenetics, part of Exact Sciences
Classification: Uncertain significance for ITM2B-related condition. Last evaluated: 2023-12-08. Review status: no assertion criteria provided. Collection method: clinical testing. Allele origin: germline. Not counted in ClinVar's aggregate classification.
Comment: The ITM2B c.377_379delAAG variant is predicted to result in an in-frame deletion (p.Glu126del). To our knowledge, this variant has not been reported in the literature. This variant is reported in 0.010% of alleles in individuals of East Asian descent in gnomAD. At this time, the clinical significance of this variant is uncertain due to the absence of conclusive functional and genetic evidence.

NM_021999.5(ITM2B):c.368AAG[3] (p.Glu126del)

Gene: ITM2B (integral membrane protein 2B; plus strand). Cytogenetic location: 13q14.2.
Variant type: Microsatellite.
Coding change: c.368AAG[3] on transcript NM_021999.5 (MANE Select); three copies in a row of the 3-base unit AAG starting at c.368; the reference has four copies in a row; one copy, 3 bases deleted.
Protein change: p.Glu126del; deletes glutamic acid 126.
Molecular consequence: inframe deletion.
Genome position (GRCh38, 1-based): chr13:48,256,307-48,256,309, AAG deleted; deleting any 3 consecutive bases within chr13:48,256,297-48,256,309 gives the same sequence; the position shown is the placement nearest the transcript's 3' end. VCF-style (leftmost placement, unchanged base first): chr13-48256296-TGAA-T. GRCh37 (hg19) VCF-style: chr13-48830432-TGAA-T.
Other names: c.377_379delAAG (NM_021999.5); short protein forms E126del.
Identifiers: ClinVar variation 1501606 (VCV001501606.9), dbSNP rs751018650, ClinGen allele CA6978760.